The following is an entry in ClinVar:

ClinVar aggregate classification (germline): Uncertain significance (1 of 4 stars; one submission).

Conditions:
Intellectual developmental disorder, autosomal dominant 1. Also called: MBD5 Haploinsufficiency; Intellectual disability, autosomal dominant 1. Identifiers: Orphanet 228402, MedGen C1969562, MONDO:0007974, OMIM 156200.

gnomAD v4.1: 6 of 1,613,990 alleles (0.00037%); highest among the groups gnomAD compares: Non-Finnish European, 0.00051%; no homozygotes.

Submission:

Labcorp Genetics (formerly Invitae), Labcorp
Classification: Uncertain significance for Intellectual developmental disorder, autosomal dominant 1. Last evaluated: 2025-10-26. Review status: criteria provided, single submitter. Criteria: Invitae Variant Classification Sherloc (09022015). Collection method: clinical testing. Allele origin: germline.
Comment: This sequence change replaces aspartic acid, which is acidic and polar, with asparagine, which is neutral and polar, at codon 1257 of the MBD5 protein (p.Asp1257Asn). This variant is not present in population databases (gnomAD no frequency). This variant has not been reported in the literature in individuals affected with MBD5-related conditions. Experimental studies and prediction algorithms are not available or were not evaluated, and the functional significance of this variant is currently unknown. In summary, the available evidence is currently insufficient to determine the role of this variant in disease. Therefore, it has been classified as a Variant of Uncertain Significance.

NM_001378120.1(MBD5):c.4468G>A (p.Asp1490Asn)

Gene: MBD5 (methyl-CpG binding domain protein 5; plus strand). Cytogenetic location: 2q23.1.
Variant type: single nucleotide variant.
Coding change: c.4468G>A on transcript NM_001378120.1 (MANE Select); coding-DNA position 4468, G replaced by A.
Protein change: p.Asp1490Asn; replaces aspartic acid 1490 with asparagine.
Molecular consequence: missense variant.
Genome position (GRCh38, 1-based): chr2:148,490,100, G>A. VCF-style: chr2-148490100-G-A. GRCh37 (hg19) VCF-style: chr2-149247669-G-A.
Other names: c.3769G>A, p.Asp1257Asn (NM_001438859.1, NM_001438860.1, NM_001438861.1 and 3 more transcripts); c.4468G>A, p.Asp1490Asn (NM_001438854.1, NM_001438856.1, NM_001438857.1 and 1 more transcripts); short protein forms D1490N, D1257N.
Identifiers: ClinVar variation 4751085 (VCV004751085.1).